The following is an entry in ClinVar:

NM_000552.5(VWF):c.2863G>T (p.Val955Leu)

Gene: VWF (von Willebrand factor; minus strand). Cytogenetic location: 12p13.31.
Variant type: single nucleotide variant.
Coding change: c.2863G>T on transcript NM_000552.5 (MANE Select); coding-DNA position 2863, G replaced by T.
Protein change: p.Val955Leu; replaces valine 955 with leucine.
Molecular consequence: missense variant.
Genome position (GRCh38, 1-based): chr12:6,029,446, C>A on the plus strand (G>T on the coding strand, the complement: VWF is on the minus strand). VCF-style: chr12-6029446-C-A. GRCh37 (hg19) VCF-style: chr12-6138612-C-A.
Other names: c.2863G>T (NM_000552.3); short protein forms V955L.
Identifiers: ClinVar variation 3572159 (VCV003572159.5).

ClinVar aggregate classification (germline): Uncertain significance. Review status: criteria provided, multiple submitters, no conflicts (2 of 4 stars). 4 submissions from 4 submitters: Uncertain significance (4). Last evaluated 2025-10-14.

Conditions:
Inborn genetic diseases. Identifiers: MedGen C0950123, MeSH D030342.

gnomAD v4.1: 18 of 1,614,060 alleles (0.0011%); highest among the groups gnomAD compares: African/African-American, 0.021%; no homozygotes.

Submissions (4):

GeneDx
Classification: Uncertain significance. Last evaluated: 2025-10-14. Review status: criteria provided, single submitter. Criteria: GeneDx Variant Classification Process June 2021. Collection method: clinical testing. Allele origin: germline.
Comment: In silico analysis suggests that this missense variant does not alter protein structure/function; Has not been previously published as pathogenic or benign to our knowledge

Ambry Genetics
Classification: Uncertain significance for Inborn genetic diseases. Last evaluated: 2025-04-13. Review status: criteria provided, single submitter. Criteria: Ambry Variant Classification Scheme 2023. Collection method: clinical testing. Allele origin: germline.

Women's Health and Genetics/Laboratory Corporation of America, LabCorp
Classification: Uncertain significance. Last evaluated: 2024-12-10. Review status: criteria provided, single submitter. Criteria: LabCorp Variant Classification Summary - May 2015. Collection method: clinical testing. Allele origin: germline.
Comment: Variant summary: VWF c.2863G>T (p.Val955Leu) results in a conservative amino acid change located in the von Willebrand factor type D domain (IPR001846) of the encoded protein sequence. Three of five in-silico tools predict a benign effect of the variant on protein function. The variant allele was found at a frequency of 1.6e-05 in 251404 control chromosomes. The available data on variant occurrences in the general population are insufficient to allow any conclusion about variant significance. To our knowledge, no occurrence of c.2863G>T in individuals affected with Von Willebrand Disease and no experimental evidence demonstrating its impact on protein function have been reported. No submitters have cited clinical-significance assessments for this variant to ClinVar. Based on the evidence outlined above, the variant was classified as uncertain significance.

Quest Diagnostics Nichols Institute San Juan Capistrano
Classification: Uncertain significance. Last evaluated: 2023-10-27. Review status: criteria provided, single submitter. Criteria: Quest Diagnostics criteria. Collection method: clinical testing. Allele origin: unknown.
Comment: The VWF c.2863G>T (p.Val955Leu) variant has not been reported in individuals with VWF-related conditions in the published literature. The frequency of this variant in the general population, 0.0002 (5/24962 chromosomes (Genome Aggregation Database)), is uninformative in the assessment of its pathogenicity. Analysis of this variant using bioinformatics tools for the prediction of the effect of amino acid changes on protein structure and function yielded predictions that this variant is benign. Based on the available information, we are unable to determine the clinical significance of this variant.